The following is an entry in ClinVar:

NM_000059.4(BRCA2):c.9473C>T (p.Thr3158Ile)

Gene: BRCA2 (BRCA2 DNA repair associated; plus strand). Cytogenetic location: 13q13.1.
Variant type: single nucleotide variant.
Coding change: c.9473C>T on transcript NM_000059.4 (MANE Select); coding-DNA position 9473, C replaced by T.
Protein change: p.Thr3158Ile; replaces threonine 3158 with isoleucine.
Molecular consequence: missense variant.
Genome position (GRCh38, 1-based): chr13:32,394,905, C>T. VCF-style: chr13-32394905-C-T. GRCh37 (hg19) VCF-style: chr13-32969042-C-T.
Other names: c.9473C>T (NM_000059.3); short protein forms T3158I.
Identifiers: ClinVar variation 1039192 (VCV001039192.11), dbSNP rs2073025198, ClinGen allele CA387761770.

ClinVar aggregate classification (germline): Conflicting classifications of pathogenicity. Review status: criteria provided, conflicting classifications (1 of 4 stars). 2 submissions from 2 submitters: Uncertain significance (1); Likely benign (1). Last evaluated 2025-05-16.

Conditions:
Hereditary cancer-predisposing syndrome. Also called: Neoplastic Syndromes, Hereditary; Hereditary Cancer Syndrome; Tumor predisposition; Hereditary neoplastic syndrome. Identifiers: Orphanet 140162, MedGen C0027672, MeSH D009386, MONDO:0015356.
Hereditary breast ovarian cancer syndrome. Also called: Hereditary breast and ovarian cancer syndrome; Hereditary breast and ovarian cancer syndrome (HBOC); BRCA1- and BRCA2-Associated Hereditary Breast and Ovarian Cancer; Hereditary breast and ovarian cancer; Hereditary breast and/or ovarian cancer syndrome; Breast and ovarian cancer. Identifiers: Orphanet 145, MedGen C0677776, MeSH D061325, MONDO:0003582. Disease mechanism: loss of function.

Submissions (2):

Ambry Genetics
Classification: Likely benign for Hereditary cancer-predisposing syndrome. Last evaluated: 2025-05-16. Review status: criteria provided, single submitter. Criteria: Ambry Variant Classification Scheme 2023. Collection method: clinical testing. Allele origin: germline.

Labcorp Genetics (formerly Invitae), Labcorp
Classification: Uncertain significance for Hereditary breast ovarian cancer syndrome. Last evaluated: 2020-09-20. Review status: criteria provided, single submitter. Criteria: Invitae Variant Classification Sherloc (09022015). Collection method: clinical testing. Allele origin: germline.
Comment: This sequence change replaces threonine with isoleucine at codon 3158 of the BRCA2 protein (p.Thr3158Ile). The threonine residue is weakly conserved and there is a moderate physicochemical difference between threonine and isoleucine. This variant is not present in population databases (ExAC no frequency). This variant has not been reported in the literature in individuals with BRCA2-related conditions. Advanced modeling of protein sequence and biophysical properties (such as structural, functional, and spatial information, amino acid conservation, physicochemical variation, residue mobility, and thermodynamic stability) performed at Invitae indicates that this missense variant is not expected to disrupt BRCA2 protein function. In summary, the available evidence is currently insufficient to determine the role of this variant in disease. Therefore, it has been classified as a Variant of Uncertain Significance.